The following is an entry in ClinVar:

ClinVar aggregate classification (germline): Uncertain significance (1 of 4 stars; one submission).

gnomAD v4.1: 3 of 1,614,074 alleles (0.00019%); highest among the groups gnomAD compares: Non-Finnish European, 0.00025%; no homozygotes.

Submission:

Labcorp Genetics (formerly Invitae), Labcorp
Classification: Uncertain significance. Last evaluated: 2024-05-22. Review status: criteria provided, single submitter. Criteria: Invitae Variant Classification Sherloc (09022015). Collection method: clinical testing. Allele origin: germline.
Comment: This sequence change replaces aspartic acid, which is acidic and polar, with glycine, which is neutral and non-polar, at codon 1583 of the SNRNP200 protein (p.Asp1583Gly). This variant is present in population databases (rs761290555, gnomAD 0.0009%). This variant has not been reported in the literature in individuals affected with SNRNP200-related conditions. Advanced modeling of protein sequence and biophysical properties (such as structural, functional, and spatial information, amino acid conservation, physicochemical variation, residue mobility, and thermodynamic stability) has been performed at Invitae for this missense variant, however the output from this modeling did not meet the statistical confidence thresholds required to predict the impact of this variant on SNRNP200 protein function. In summary, the available evidence is currently insufficient to determine the role of this variant in disease. Therefore, it has been classified as a Variant of Uncertain Significance.

NM_014014.5(SNRNP200):c.4748A>G (p.Asp1583Gly)

Gene: SNRNP200 (small nuclear ribonucleoprotein U5 subunit 200; minus strand). Cytogenetic location: 2q11.2.
Variant type: single nucleotide variant.
Coding change: c.4748A>G on transcript NM_014014.5 (MANE Select); coding-DNA position 4748, A replaced by G.
Protein change: p.Asp1583Gly; replaces aspartic acid 1583 with glycine.
Molecular consequence: missense variant.
Genome position (GRCh38, 1-based): chr2:96,283,550, T>C on the plus strand (A>G on the coding strand, the complement: SNRNP200 is on the minus strand). VCF-style: chr2-96283550-T-C. GRCh37 (hg19) VCF-style: chr2-96949288-T-C.
Other names: short protein forms D1583G.
Identifiers: ClinVar variation 3654189 (VCV003654189.2).
Genomic context (GRCh38, chr2:96,283,550, plus strand): 5'-CTCACTTAACCTAACCCCAACCCCCAGACGCCAGGCCCCACCTACCTCTGCCGTTGGATG[T>C]CTGCTGCACAGGTGGTGAGGATGTCAATGGCAGTGAGGCGGGTCTGCTTGCGAGACGGCA-3'
Protein context (NP_054733.2, residues 1573-1593): AIDILTTCAA[Asp1583Gly]IQRQRFLHCT